The following is an entry in ClinVar:

NM_153240.5(NPHP3):c.340C>T (p.Arg114Cys)

Genes: NPHP3 (nephrocystin 3; minus strand), NPHP3-ACAD11 (NPHP3-ACAD11 readthrough (NMD candidate); minus strand), NPHP3-AS1 (NPHP3 antisense RNA 1; plus strand). Cytogenetic location: 3q22.1.
Variant type: single nucleotide variant.
Coding change: c.340C>T on transcript NM_153240.5 (MANE Select); coding-DNA position 340, C replaced by T.
Protein change: p.Arg114Cys; replaces arginine 114 with cysteine.
Molecular consequence: missense variant. On other transcripts: non-coding transcript variant (3).
Genome position (GRCh38, 1-based): chr3:132,722,016, G>A on the plus strand (C>T on the coding strand, the complement: NPHP3 is on the minus strand). VCF-style: chr3-132722016-G-A. GRCh37 (hg19) VCF-style: chr3-132440860-G-A.
Other names: short protein forms R114C.
Identifiers: ClinVar variation 2141714 (VCV002141714.3), dbSNP rs777537602, ClinGen allele CA2622653.

ClinVar aggregate classification (germline): Uncertain significance (1 of 4 stars; one submission).

Conditions:
Nephronophthisis. Also called: Juvenile Nephronophthisis. Identifiers: Orphanet 655, MedGen C0687120, MONDO:0019005, HP:0000090.

Allele frequency attached by ClinVar (database versions not stated): ExAC 0.00002; gnomAD exomes 0.00002.

Submission:

Labcorp Genetics (formerly Invitae), Labcorp
Classification: Uncertain significance for Nephronophthisis. Last evaluated: 2021-12-09. Review status: criteria provided, single submitter. Criteria: Invitae Variant Classification Sherloc (09022015). Collection method: clinical testing. Allele origin: germline.
Comment: This variant is present in population databases (rs777537602, gnomAD 0.004%). In summary, the available evidence is currently insufficient to determine the role of this variant in disease. Therefore, it has been classified as a Variant of Uncertain Significance. Algorithms developed to predict the effect of missense changes on protein structure and function are either unavailable or do not agree on the potential impact of this missense change (SIFT: "Deleterious"; PolyPhen-2: "Possibly Damaging"; Align-GVGD: "Class C0"). This variant has not been reported in the literature in individuals affected with NPHP3-related conditions. This sequence change replaces arginine, which is basic and polar, with cysteine, which is neutral and slightly polar, at codon 114 of the NPHP3 protein (p.Arg114Cys).